The following is an entry in ClinVar:

NM_001130438.3(SPTAN1):c.7349T>C (p.Met2450Thr)

Gene: SPTAN1 (spectrin alpha, non-erythrocytic 1; plus strand). Cytogenetic location: 9q34.11.
Variant type: single nucleotide variant.
Coding change: c.7349T>C on transcript NM_001130438.3 (MANE Select); coding-DNA position 7349, T replaced by C.
Protein change: p.Met2450Thr; replaces methionine 2450 with threonine.
Molecular consequence: missense variant.
Genome position (GRCh38, 1-based): chr9:128,633,249, T>C. VCF-style: chr9-128633249-T-C. GRCh37 (hg19) VCF-style: chr9-131395528-T-C.
Other names: c.7274T>C, p.Met2425Thr (NM_001195532.2); c.7412T>C, p.Met2471Thr (NM_001363759.2); c.7289T>C, p.Met2430Thr (NM_001363765.2, NM_001375314.2); c.7436T>C, p.Met2479Thr (NM_001375310.1); c.7349T>C, p.Met2450Thr (NM_001375311.2); c.7385T>C, p.Met2462Thr (NM_001375312.2, NM_001438440.1); c.7331T>C, p.Met2444Thr (NM_001375313.1); c.7448T>C, p.Met2483Thr (NM_001375318.1); and 6 more; short protein forms M2419T, M2424T, M2425T, M2430T, M2439T, M2444T, M2445T, M2446T.
Identifiers: ClinVar variation 4076214 (VCV004076214.1).

ClinVar aggregate classification (germline): Uncertain significance (1 of 4 stars; one submission).

Conditions:
Developmental and epileptic encephalopathy, 5 (DEE5). Identifiers: Orphanet 3451, MedGen C3150731, MONDO:0013277, OMIM 613477.

gnomAD v4.1: 2 of 1,614,040 alleles (0.00012%); highest among the groups gnomAD compares: Non-Finnish European, 0.00017%; no homozygotes.

Submission:

Laboratorio de Genetica e Diagnostico Molecular, Hospital Israelita Albert Einstein
Classification: Uncertain significance for Developmental and epileptic encephalopathy, 5. Last evaluated: 2025-03-26. Review status: criteria provided, single submitter. Criteria: ACMG Guidelines, 2015. Collection method: clinical testing. Allele origin: germline. Affected: yes.
Comment: ACMG classification criteria: PM2 supporting, PP2 supporting, PP3 supporting